The following is an entry in ClinVar:

NM_022436.3(ABCG5):c.1502A>G (p.Tyr501Cys)

Genes: ABCG5 (ATP binding cassette subfamily G member 5; minus strand), DYNC2LI1 (dynein cytoplasmic 2 light intermediate chain 1; plus strand). Cytogenetic location: 2p21.
Variant type: single nucleotide variant.
Coding change: c.1502A>G on transcript NM_022436.3 (MANE Select); coding-DNA position 1502, A replaced by G.
Protein change: p.Tyr501Cys; replaces tyrosine 501 with cysteine.
Molecular consequence: missense variant. On other transcripts: intron variant (2).
Genome position (GRCh38, 1-based): chr2:43,820,062, T>C on the plus strand (A>G on the coding strand, the complement: ABCG5 is on the minus strand). VCF-style: chr2-43820062-T-C. GRCh37 (hg19) VCF-style: chr2-44047201-T-C.
Other names: c.*16-7324T>C (NM_001348913.2, NM_001348912.2); short protein forms Y501C.
Identifiers: ClinVar variation 5026288 (VCV005026288.1).

ClinVar aggregate classification (germline): Uncertain significance (1 of 4 stars; one submission).

Conditions:
Cardiovascular phenotype. Identifiers: MedGen CN230736.

Submission:

Ambry Genetics
Classification: Uncertain significance for Cardiovascular phenotype. Last evaluated: 2026-07-09. Review status: criteria provided, single submitter. Criteria: Ambry Variant Classification Scheme 2023. Collection method: clinical testing. Allele origin: germline.
Comment: The p.Y501C variant (also known as c.1502A>G), located in coding exon 11 of the ABCG5 gene, results from an A to G substitution at nucleotide position 1502. The tyrosine at codon 501 is replaced by cysteine, an amino acid with highly dissimilar properties. This amino acid position is conserved. In addition, this alteration is predicted to be tolerated by in silico analysis. Based on the available evidence, the clinical significance of this variant remains unclear.